The following is an entry in ClinVar:

NM_001017995.3(SH3PXD2B):c.*2538T>C

Gene: SH3PXD2B (SH3 and PX domains 2B; minus strand). Cytogenetic location: 5q35.1.
Variant type: single nucleotide variant.
Coding change: c.*2538T>C on transcript NM_001017995.3 (MANE Select); 2538 bases downstream of the stop codon, T replaced by C.
Molecular consequence: 3 prime UTR variant. On other transcripts: intron variant (1).
Genome position (GRCh38, 1-based): chr5:172,335,831, A>G on the plus strand (T>C on the coding strand, the complement: SH3PXD2B is on the minus strand). VCF-style: chr5-172335831-A-G. GRCh37 (hg19) VCF-style: chr5-171762835-A-G.
Other names: c.1188+10305T>C (NM_001308175.2).
Identifiers: ClinVar variation 906133 (VCV000906133.4), dbSNP rs114974765, ClinGen allele CA132180304.

ClinVar aggregate classification (germline): Likely benign (1 of 4 stars; one submission).

Conditions:
Frank-Ter Haar syndrome. Also called: Borrone di Rocco Crovato syndrome; TER HAAR SYNDROME; MELNICK-NEEDLES SYNDROME, AUTOSOMAL RECESSIVE; BORRONE DERMATOCARDIOSKELETAL SYNDROME. Identifiers: Orphanet 1266, Orphanet 137834, MedGen C1855305, MONDO:0009579, OMIM 249420.

Allele frequency attached by ClinVar (database versions not stated): 1000 Genomes Project 0.00060; TOPMed 0.00062; 1000 Genomes Project 30x 0.00078; gnomAD exomes 0.00004; gnomAD 0.00049 and 0.00054.
gnomAD v4.1: 125 of 1,228,938 alleles (0.01%); highest among the groups gnomAD compares: African/African-American, 0.17%; no homozygotes.

Submission:

Illumina Laboratory Services, Illumina
Classification: Likely benign for Frank-Ter Haar syndrome. Last evaluated: 2018-01-13. Review status: criteria provided, single submitter. Criteria: ICSL Variant Classification Criteria 13 December 2019. Collection method: clinical testing. Allele origin: germline.
Comment: This variant was observed in the ICSL laboratory as part of a predisposition screen in an ostensibly healthy population. It had not been previously curated by ICSL or reported in the Human Gene Mutation Database (HGMD: prior to June 1st, 2018), and was therefore a candidate for classification through an automated scoring system. Utilizing variant allele frequency, disease prevalence and penetrance estimates, and inheritance mode, an automated score was calculated to assess if this variant is too frequent to cause the disease. Based on the score and internal cut-off values, a variant classified as likely benign is not then subjected to further curation. The score for this variant resulted in a classification of likely benign for this disease.